The following is an entry in ClinVar:

ClinVar aggregate classification (germline): Uncertain significance (1 of 4 stars; one submission).

Allele frequency attached by ClinVar (database versions not stated): gnomAD exomes 0.00001; TOPMed 0.00001; ExAC 0.00002.
gnomAD v4.1: 4 of 1,614,024 alleles (0.00025%); highest among the groups gnomAD compares: Non-Finnish European, 0.00034%; no homozygotes.

Submission:

Labcorp Genetics (formerly Invitae), Labcorp
Classification: Uncertain significance. Last evaluated: 2022-07-04. Review status: criteria provided, single submitter. Criteria: Invitae Variant Classification Sherloc (09022015). Collection method: clinical testing. Allele origin: germline.
Comment: This sequence change replaces alanine, which is neutral and non-polar, with glycine, which is neutral and non-polar, at codon 168 of the COL9A1 protein (p.Ala168Gly). This variant is present in population databases (rs199822035, gnomAD 0.002%). This variant has not been reported in the literature in individuals affected with COL9A1-related conditions. ClinVar contains an entry for this variant (Variation ID: 1002350). Advanced modeling of protein sequence and biophysical properties (such as structural, functional, and spatial information, amino acid conservation, physicochemical variation, residue mobility, and thermodynamic stability) performed at Invitae indicates that this missense variant is not expected to disrupt COL9A1 protein function. In summary, the available evidence is currently insufficient to determine the role of this variant in disease. Therefore, it has been classified as a Variant of Uncertain Significance.

NM_001851.6(COL9A1):c.503C>G (p.Ala168Gly)

Gene: COL9A1 (collagen type IX alpha 1 chain; minus strand). Cytogenetic location: 6q13.
Variant type: single nucleotide variant.
Coding change: c.503C>G on transcript NM_001851.6 (MANE Select); coding-DNA position 503, C replaced by G.
Protein change: p.Ala168Gly; replaces alanine 168 with glycine.
Molecular consequence: missense variant.
Genome position (GRCh38, 1-based): chr6:70,294,360, G>C on the plus strand (C>G on the coding strand, the complement: COL9A1 is on the minus strand). VCF-style: chr6-70294360-G-C. GRCh37 (hg19) VCF-style: chr6-71004063-G-C.
Other names: c.503C>G, p.Ala168Gly (NM_001377291.1); short protein forms A168G.
Identifiers: ClinVar variation 1002350 (VCV001002350.5), dbSNP rs199822035, ClinGen allele CA3882794.